The following is an entry in ClinVar:

ClinVar aggregate classification (germline): Uncertain significance (1 of 4 stars; one submission).

Conditions:
Dilated cardiomyopathy 1JJ (CMD1JJ). Identifiers: Orphanet 154, MedGen C3808935, MONDO:0014095, OMIM 615235.

Allele frequency attached by ClinVar (database versions not stated): TOPMed below 0.00001; ExAC 0.00001; gnomAD 0.00001; gnomAD exomes 0.00001.
gnomAD v4.1: 11 of 1,613,966 alleles (0.00068%); highest among the groups gnomAD compares: South Asian, 0.011%; no homozygotes.

Submission:

Labcorp Genetics (formerly Invitae), Labcorp
Classification: Uncertain significance for Dilated cardiomyopathy 1JJ. Last evaluated: 2021-03-10. Review status: criteria provided, single submitter. Criteria: Invitae Variant Classification Sherloc (09022015). Collection method: clinical testing. Allele origin: germline.
Comment: Algorithms developed to predict the effect of missense changes on protein structure and function are either unavailable or do not agree on the potential impact of this missense change (SIFT: "Tolerated"; PolyPhen-2: "Possibly Damaging"; Align-GVGD: "Class C0"). Algorithms developed to predict the effect of sequence changes on RNA splicing suggest that this variant may create or strengthen a splice site, but this prediction has not been confirmed by published transcriptional studies. In summary, the available evidence is currently insufficient to determine the role of this variant in disease. Therefore, it has been classified as a Variant of Uncertain Significance. This variant has not been reported in the literature in individuals with LAMA4-related conditions. This variant is present in population databases (rs782385919, ExAC 0.006%). This sequence change replaces glycine with arginine at codon 1793 of the LAMA4 protein (p.Gly1793Arg). The glycine residue is moderately conserved and there is a moderate physicochemical difference between glycine and arginine.

NM_001105206.3(LAMA4):c.5398G>A (p.Gly1800Arg)

Gene: LAMA4 (laminin subunit alpha 4; minus strand). Cytogenetic location: 6q21.
Variant type: single nucleotide variant.
Coding change: c.5398G>A on transcript NM_001105206.3 (MANE Select); coding-DNA position 5398, G replaced by A.
Protein change: p.Gly1800Arg; replaces glycine 1800 with arginine.
Molecular consequence: missense variant.
Genome position (GRCh38, 1-based): chr6:112,109,511, C>T on the plus strand (G>A on the coding strand, the complement: LAMA4 is on the minus strand). VCF-style: chr6-112109511-C-T. GRCh37 (hg19) VCF-style: chr6-112430714-C-T.
Other names: c.5377G>A, p.Gly1793Arg (NM_001105207.3, NM_002290.5); short protein forms G1800R, G1793R.
Identifiers: ClinVar variation 1506476 (VCV001506476.8), dbSNP rs782385919, ClinGen allele CA3964721.